The following is an entry in ClinVar:

ClinVar aggregate classification (germline): Uncertain significance (1 of 4 stars; one submission).

Allele frequency attached by ClinVar (database versions not stated): TOPMed 0.00002; gnomAD 0.00003.
gnomAD v4.1: 5 of 1,612,024 alleles (0.00031%); highest among the groups gnomAD compares: African/African-American, 0.0067%; no homozygotes.

Submission:

Labcorp Genetics (formerly Invitae), Labcorp
Classification: Uncertain significance. Last evaluated: 2022-04-20. Review status: criteria provided, single submitter. Criteria: Invitae Variant Classification Sherloc (09022015). Collection method: clinical testing. Allele origin: germline.
Comment: This variant is present in population databases (no rsID available, gnomAD 0.02%). In summary, the available evidence is currently insufficient to determine the role of this variant in disease. Therefore, it has been classified as a Variant of Uncertain Significance. Algorithms developed to predict the effect of sequence changes on RNA splicing suggest that this variant may disrupt the consensus splice site. Algorithms developed to predict the effect of missense changes on protein structure and function (SIFT, PolyPhen-2, Align-GVGD) all suggest that this variant is likely to be tolerated. This variant has not been reported in the literature in individuals affected with POP1-related conditions. This sequence change replaces valine, which is neutral and non-polar, with leucine, which is neutral and non-polar, at codon 455 of the POP1 protein (p.Val455Leu).

NM_001145860.2(POP1):c.1363G>T (p.Val455Leu)

Gene: POP1 (POP1 ribonuclease P/MRP subunit; plus strand). Cytogenetic location: 8q22.2.
Variant type: single nucleotide variant.
Coding change: c.1363G>T on transcript NM_001145860.2 (MANE Select); coding-DNA position 1363, G replaced by T.
Protein change: p.Val455Leu; replaces valine 455 with leucine.
Molecular consequence: missense variant.
Genome position (GRCh38, 1-based): chr8:98,140,078, G>T. VCF-style: chr8-98140078-G-T. GRCh37 (hg19) VCF-style: chr8-99152306-G-T.
Other names: c.1363G>T, p.Val455Leu (NM_001145861.2, NM_015029.3); short protein forms V455L.
Identifiers: ClinVar variation 1986375 (VCV001986375.4), dbSNP rs1208647133, ClinGen allele CA371793774.